The following is an entry in ClinVar:

NM_014712.3(SETD1A):c.1769G>A (p.Arg590Gln)

Gene: SETD1A (SET domain containing 1A, histone lysine methyltransferase; plus strand). Cytogenetic location: 16p11.2.
Variant type: single nucleotide variant.
Coding change: c.1769G>A on transcript NM_014712.3 (MANE Select); coding-DNA position 1769, G replaced by A.
Protein change: p.Arg590Gln; replaces arginine 590 with glutamine.
Molecular consequence: missense variant.
Genome position (GRCh38, 1-based): chr16:30,965,650, G>A. VCF-style: chr16-30965650-G-A. GRCh37 (hg19) VCF-style: chr16-30976971-G-A.
Other names: c.1769G>A (NM_014712.1); short protein forms R590Q.
Identifiers: ClinVar variation 2691371 (VCV002691371.2), dbSNP rs749590736, ClinGen allele CA8016761.

ClinVar aggregate classification (germline): Conflicting classifications of pathogenicity. Review status: criteria provided, conflicting classifications (1 of 4 stars). 2 submissions from 2 submitters: Uncertain significance (1); Likely benign (1). Last evaluated 2024-09-09.

Conditions:
Inborn genetic diseases. Identifiers: MedGen C0950123, MeSH D030342.

Allele frequency attached by ClinVar (database versions not stated): TOPMed below 0.00001.
gnomAD v4.1: 13 of 1,612,488 alleles (0.00081%); highest among the groups gnomAD compares: East Asian, 0.0045%; no homozygotes.

Submissions (2):

Ambry Genetics
Classification: Uncertain significance for Inborn genetic diseases. Last evaluated: 2024-09-09. Review status: criteria provided, single submitter. Criteria: Ambry Variant Classification Scheme 2023. Collection method: clinical testing. Allele origin: germline.

Women's Health and Genetics/Laboratory Corporation of America, LabCorp
Classification: Likely benign. Last evaluated: 2023-12-21. Review status: criteria provided, single submitter. Criteria: LabCorp Variant Classification Summary - May 2015. Collection method: clinical testing. Allele origin: germline.
Comment: Variant summary: SETD1A c.1769G>A (p.Arg590Gln) results in a conservative amino acid change in the encoded protein sequence. Five of five in-silico tools predict a benign effect of the variant on protein function. The variant allele was found at a frequency of 8.9e-06 in 1,455,528 control chromosomes (i.e. in 13 carriers) in the gnomAD database (v4.0 dataset). In addition, the variant was also reported in 11 carriers (i.e. 11 / 108588 alleles) in healthy Japanese individuals in the jMorp database [PMID: 33179747]. The significant number of carriers makes it unlikely that the variant is associated with an early onset severe phenotype. To our knowledge, no occurrence of c.1769G>A in individuals affected with Neurodevelopmental Disorder With Speech Impairment And Dysmorphic Facies and no experimental evidence demonstrating its impact on protein function have been reported. No submitters have cited clinical-significance assessments for this variant to ClinVar after 2014. Based on the evidence outlined above, the variant was classified as likely benign.